The following is an entry in ClinVar:

ClinVar aggregate classification (germline): Uncertain significance (1 of 4 stars; one submission).

Submission:

Labcorp Genetics (formerly Invitae), Labcorp
Classification: Uncertain significance. Last evaluated: 2022-02-24. Review status: criteria provided, single submitter. Criteria: Invitae Variant Classification Sherloc (09022015). Collection method: clinical testing. Allele origin: germline.
Comment: In summary, the available evidence is currently insufficient to determine the role of this variant in disease. Therefore, it has been classified as a Variant of Uncertain Significance. This variant is not present in population databases (gnomAD no frequency). This sequence change replaces arginine, which is basic and polar, with leucine, which is neutral and non-polar, at codon 17 of the ACY1 protein (p.Arg17Leu). This variant has not been reported in the literature in individuals affected with ACY1-related conditions. Algorithms developed to predict the effect of missense changes on protein structure and function are either unavailable or do not agree on the potential impact of this missense change (SIFT: "Tolerated"; PolyPhen-2: "Probably Damaging"; Align-GVGD: "Class C0").

NM_000666.3(ACY1):c.50G>T (p.Arg17Leu)

Genes: ABHD14A-ACY1 (ABHD14A-ACY1 readthrough; plus strand), ACY1 (aminoacylase 1; plus strand). Cytogenetic location: 3p21.2.
Variant type: single nucleotide variant.
Coding change: c.50G>T on transcript NM_000666.3 (MANE Select); coding-DNA position 50, G replaced by T.
Protein change: p.Arg17Leu; replaces arginine 17 with leucine.
Molecular consequence: missense variant.
Genome position (GRCh38, 1-based): chr3:51,984,114, G>T. VCF-style: chr3-51984114-G-T. GRCh37 (hg19) VCF-style: chr3-52018130-G-T.
Other names: c.320G>T, p.Arg107Leu (NM_001316331.2); c.50G>T, p.Arg17Leu (NM_001198895.2, NM_001198896.2, NM_001198897.2 and 1 more transcripts); short protein forms R107L, R17L.
Identifiers: ClinVar variation 2102784 (VCV002102784.4), dbSNP rs1048430125, ClinGen allele CA74714934.